The following is an entry in ClinVar:

ClinVar aggregate classification (germline): Likely benign (0 of 4 stars; one submission).

Conditions:
ASTN2-related disorder. Also called: ASTN2-related condition.

Allele frequency attached by ClinVar (database versions not stated): gnomAD exomes 0.00004; TOPMed 0.00014; ESP Exome Variant Server 0.00015; 1000 Genomes Project 30x 0.00016; ExAC 0.00007; gnomAD 0.00017; 1000 Genomes Project 0.00020.
gnomAD v4.1: 86 of 1,614,148 alleles (0.0053%); highest among the groups gnomAD compares: Middle Eastern, 0.13%; no homozygotes.

Submission:

PreventionGenetics, part of Exact Sciences
Classification: Likely benign for ASTN2-related condition. Last evaluated: 2019-10-01. Review status: no assertion criteria provided. Collection method: clinical testing. Allele origin: germline.
Comment: This variant is classified as likely benign based on ACMG/AMP sequence variant interpretation guidelines (Richards et al. 2015 PMID: 25741868, with internal and published modifications).

NM_001365068.1(ASTN2):c.2013C>T (p.Asp671=)

Gene: ASTN2 (astrotactin 2; minus strand). Cytogenetic location: 9q33.1.
Variant type: single nucleotide variant.
Coding change: c.2013C>T on transcript NM_001365068.1 (MANE Select); coding-DNA position 2013, C replaced by T.
Protein change: p.Asp671=; no amino-acid change (aspartic acid 671 retained).
Molecular consequence: synonymous variant.
Genome position (GRCh38, 1-based): chr9:116,863,610, G>A on the plus strand (C>T on the coding strand, the complement: ASTN2 is on the minus strand). VCF-style: chr9-116863610-G-A. GRCh37 (hg19) VCF-style: chr9-119625889-G-A.
Other names: c.2001C>T, p.Asp667= (NM_001365069.1); c.1860C>T, p.Asp620= (NM_014010.5).
Identifiers: ClinVar variation 3039967 (VCV003039967.2), dbSNP rs113540918, ClinGen allele CA5211502.
Genomic context (GRCh38, chr9:116,863,610, plus strand): 5'-CACTGCCATGTTCCCGGGCCAATGGGCACTTACCACACATCCCGAGGAATCCACCTGCCG[G>A]TCAGACACACACTTGAAGTTGCGAGTGCAGCCCCCATTGTTCCGAGAGCAGTCACGAACT-3'
Protein context (NP_001351997.1, residues 661-681): GCTRNFKCVS[Asp671=]RQVDSSGCVC